The following is an entry in ClinVar:

ClinVar aggregate classification (germline): Uncertain significance (1 of 4 stars; one submission).

gnomAD v4.1: 1 of 1,612,790 alleles (0.000062%); highest among the groups gnomAD compares: Non-Finnish European, 0.000085%; no homozygotes.

Submission:

GeneDx
Classification: Uncertain significance. Last evaluated: 2026-04-09. Review status: criteria provided, single submitter. Criteria: GeneDx Variant Classification Process June 2021. Collection method: clinical testing. Allele origin: germline.
Comment: Not observed at significant frequency in large population cohorts (gnomAD); In silico analysis supports that this missense variant has a deleterious effect on protein structure/function; Has not been previously published as pathogenic or benign to our knowledge

NM_001395002.1(MAP4K4):c.830G>A (p.Arg277Gln)

Gene: MAP4K4 (mitogen-activated protein kinase kinase kinase kinase 4; plus strand). Cytogenetic location: 2q11.2.
Variant type: single nucleotide variant.
Coding change: c.830G>A on transcript NM_001395002.1 (MANE Select); coding-DNA position 830, G replaced by A.
Protein change: p.Arg277Gln; replaces arginine 277 with glutamine.
Molecular consequence: missense variant. On other transcripts: non-coding transcript variant (4).
Genome position (GRCh38, 1-based): chr2:101,839,875, G>A. VCF-style: chr2-101839875-G-A. GRCh37 (hg19) VCF-style: chr2-102456337-G-A.
Other names: c.830G>A, p.Arg277Gln (NM_001384482.1, NM_001384483.1, NM_001384484.1 and 28 more transcripts); c.803G>A, p.Arg268Gln (NM_001384549.1, NM_001384550.1, NM_001384551.1 and 16 more transcripts); short protein forms R268Q, R277Q.
Identifiers: ClinVar variation 5018320 (VCV005018320.1).